The following is an entry in ClinVar:

NM_000245.4(MET):c.146A>G (p.Glu49Gly)

Gene: MET (MET proto-oncogene, receptor tyrosine kinase; plus strand). Cytogenetic location: 7q31.2.
Variant type: single nucleotide variant.
Coding change: c.146A>G on transcript NM_000245.4 (MANE Select); coding-DNA position 146, A replaced by G.
Protein change: p.Glu49Gly; replaces glutamic acid 49 with glycine.
Molecular consequence: missense variant. On other transcripts: intron variant (1).
Genome position (GRCh38, 1-based): chr7:116,699,230, A>G. VCF-style: chr7-116699230-A-G. GRCh37 (hg19) VCF-style: chr7-116339284-A-G.
Other names: c.146A>G, p.Glu49Gly (NM_001127500.3, NM_001324401.3); c.-91+26653A>G (NM_001324402.2); c.146A>G (NM_001127500.2); short protein forms E49G.
Identifiers: ClinVar variation 184359 (VCV000184359.19), dbSNP rs370499060, ClinGen allele CA188723.

ClinVar aggregate classification (germline): Conflicting classifications of pathogenicity. Review status: criteria provided, conflicting classifications (1 of 4 stars). 6 submissions from 6 submitters: Uncertain significance (5); Likely benign (1). Last evaluated 2026-01-22.

Conditions:
MET-related disorder. Also called: MET-related condition.
Renal cell carcinoma. Identifiers: Orphanet 217071, MedGen C0007134, MeSH D002292, MONDO:0005086, HP:0005584.
Autosomal recessive nonsyndromic hearing loss 97. Also called: Deafness, autosomal recessive 97. Identifiers: Orphanet 90636, MedGen C4084709, MONDO:0014739, OMIM 616705.
Hereditary cancer-predisposing syndrome. Also called: Neoplastic Syndromes, Hereditary; Tumor predisposition; Hereditary neoplastic syndrome; Hereditary Cancer Syndrome. Identifiers: Orphanet 140162, MedGen C0027672, MeSH D009386, MONDO:0015356.

Allele frequency attached by ClinVar (database versions not stated): gnomAD 0.00001.
gnomAD v4.1: 54 of 1,613,850 alleles (0.0033%); highest among the groups gnomAD compares: Non-Finnish European, 0.0036%; no homozygotes.

Submissions (6):

Labcorp Genetics (formerly Invitae), Labcorp
Classification: Uncertain significance for Renal cell carcinoma. Last evaluated: 2026-01-22. Review status: criteria provided, single submitter. Criteria: Invitae Variant Classification Sherloc (09022015). Collection method: clinical testing. Allele origin: germline.
Comment: This sequence change replaces glutamic acid, which is acidic and polar, with glycine, which is neutral and non-polar, at codon 49 of the MET protein (p.Glu49Gly). This variant is present in population databases (rs370499060, gnomAD 0.04%). This variant has not been reported in the literature in individuals affected with MET-related conditions. ClinVar contains an entry for this variant (Variation ID: 184359). Invitae Evidence Modeling of protein sequence and biophysical properties (such as structural, functional, and spatial information, amino acid conservation, physicochemical variation, residue mobility, and thermodynamic stability) indicates that this missense variant is not expected to disrupt MET protein function with a negative predictive value of 80%. In summary, the available evidence is currently insufficient to determine the role of this variant in disease. Therefore, it has been classified as a Variant of Uncertain Significance.

PreventionGenetics, part of Exact Sciences
Classification: Uncertain significance for MET-related condition. Last evaluated: 2025-05-23. Review status: criteria provided, single submitter. Criteria: ACMG Guidelines, 2015. Collection method: clinical testing. Allele origin: germline.
Comment: The MET c.146A>G variant is predicted to result in the amino acid substitution p.Glu49Gly. To our knowledge, this variant has not been reported in the literature. This variant is reported in 0.040% of alleles in individuals of Ashkenazi Jewish descent in gnomAD. In ClinVar, this variant has conflicting interpretations, including likely benign and variant of uncertain significance. At this time, the clinical significance of this variant is uncertain due to the absence of conclusive functional and genetic evidence.

Quest Diagnostics Nichols Institute San Juan Capistrano
Classification: Uncertain significance. Last evaluated: 2025-02-19. Review status: criteria provided, single submitter. Criteria: Quest Diagnostics criteria. Collection method: clinical testing. Allele origin: unknown.

Baylor Genetics
Classification: Uncertain significance for Autosomal recessive nonsyndromic hearing loss 97. Last evaluated: 2024-02-13. Review status: criteria provided, single submitter. Criteria: ACMG Guidelines, 2015. Collection method: clinical testing. Allele origin: unknown.

GeneDx
Classification: Uncertain significance. Last evaluated: 2023-05-31. Review status: criteria provided, single submitter. Criteria: GeneDx Variant Classification Process June 2021. Collection method: clinical testing. Allele origin: germline.
Comment: In silico analysis supports that this missense variant does not alter protein structure/function; Has not been previously published as pathogenic or benign to our knowledge

Ambry Genetics
Classification: Likely benign for Hereditary cancer-predisposing syndrome. Last evaluated: 2020-11-16. Review status: criteria provided, single submitter. Criteria: Ambry Variant Classification Scheme 2023. Collection method: clinical testing. Allele origin: germline.